The following is an entry in ClinVar:

ClinVar aggregate classification (germline): Uncertain significance (1 of 4 stars; one submission).

Submission:

Labcorp Genetics (formerly Invitae), Labcorp
Classification: Uncertain significance. Last evaluated: 2025-04-20. Review status: criteria provided, single submitter. Criteria: Invitae Variant Classification Sherloc (09022015). Collection method: clinical testing. Allele origin: germline.
Comment: This sequence change replaces serine, which is neutral and polar, with phenylalanine, which is neutral and non-polar, at codon 4711 of the RNF213 protein (p.Ser4711Phe). This variant is not present in population databases (gnomAD no frequency). This variant has not been reported in the literature in individuals affected with RNF213-related conditions. Invitae Evidence Modeling of protein sequence and biophysical properties (such as structural, functional, and spatial information, amino acid conservation, physicochemical variation, residue mobility, and thermodynamic stability) has been performed for this missense variant. However, the output from this modeling did not meet the statistical confidence thresholds required to predict the impact of this variant on RNF213 protein function. In summary, the available evidence is currently insufficient to determine the role of this variant in disease. Therefore, it has been classified as a Variant of Uncertain Significance.

NM_001256071.3(RNF213):c.14132C>T (p.Ser4711Phe)

Genes: RNF213 (ring finger protein 213; plus strand), RNF213-AS1 (RNF213 antisense RNA 1; minus strand). Cytogenetic location: 17q25.3.
Variant type: single nucleotide variant.
Coding change: c.14132C>T on transcript NM_001256071.3 (MANE Select); coding-DNA position 14132, C replaced by T.
Protein change: p.Ser4711Phe; replaces serine 4711 with phenylalanine.
Molecular consequence: missense variant.
Genome position (GRCh38, 1-based): chr17:80,383,738, C>T. VCF-style: chr17-80383738-C-T. GRCh37 (hg19) VCF-style: chr17-78357538-C-T.
Other names: c.14279C>T, p.Ser4760Phe (NM_001410195.1, NM_020914.5); short protein forms S4760F, S4711F.
Identifiers: ClinVar variation 4699173 (VCV004699173.1).